The following is an entry in ClinVar:

ClinVar aggregate classification (germline): Benign/Likely benign. Review status: criteria provided, multiple submitters, no conflicts (2 of 4 stars). 5 submissions from 5 submitters: Benign (1); Likely benign (4). Last evaluated 2026-01-11.

Conditions:
HNSHA due to aldolase A deficiency (GSD12). Also called: GLYCOGEN STORAGE DISEASE XII; GSD XII; Glycogen storage disease due to aldolase A deficiency; RED CELL ALDOLASE DEFICIENCY. Identifiers: Orphanet 57, MedGen C0272066, MONDO:0012747, OMIM 611881.

Allele frequency attached by ClinVar (database versions not stated): 1000 Genomes Project 30x 0.00016; 1000 Genomes Project 0.00020; ESP Exome Variant Server 0.00100; gnomAD 0.00124; TOPMed 0.00136.
gnomAD v4.1: 363 of 1,614,222 alleles (0.022%); highest among the groups gnomAD compares: African/African-American, 0.43%; 1 homozygote.

Submissions (5):

Labcorp Genetics (formerly Invitae), Labcorp
Classification: Benign for HNSHA due to aldolase A deficiency. Last evaluated: 2026-01-11. Review status: criteria provided, single submitter. Criteria: Invitae Variant Classification Sherloc (09022015). Collection method: clinical testing. Allele origin: germline.

Mayo Clinic Laboratories, Mayo Clinic
Classification: Likely benign. Last evaluated: 2025-09-16. Review status: criteria provided, single submitter. Criteria: ACMG Guidelines, 2015. Collection method: clinical testing. Allele origin: germline. Observed: 10 variant alleles.
Comment: BP4, BP7

Blueprint Genetics
Classification: Likely benign. Last evaluated: 2024-11-06. Review status: criteria provided, single submitter. Criteria: ACMG Guidelines, 2015. Collection method: clinical testing. Allele origin: germline.

ARUP Laboratories, Molecular Genetics and Genomics, ARUP Laboratories
Classification: Likely benign for HNSHA due to aldolase A deficiency. Last evaluated: 2023-11-29. Review status: criteria provided, single submitter. Criteria: ARUP Molecular Germline Variant Investigation Process 2024. Collection method: clinical testing. Allele origin: germline.

GeneDx
Classification: Likely benign. Last evaluated: 2020-08-17. Review status: criteria provided, single submitter. Criteria: GeneDx Variant Classification Process June 2021. Collection method: clinical testing. Allele origin: germline. Affected: yes.

NM_001243177.4(ALDOA):c.648C>G (p.Leu216=)

Genes: ALDOA (aldolase, fructose-bisphosphate A; plus strand), LOC112694756 (uncharaterized LOC112694756; plus strand). Cytogenetic location: 16p11.2.
Variant type: single nucleotide variant.
Coding change: c.648C>G on transcript NM_001243177.4 (MANE Select); coding-DNA position 648, C replaced by G.
Protein change: p.Leu216=; no amino-acid change (leucine 216 retained).
Molecular consequence: synonymous variant. On other transcripts: 3 prime UTR variant (3).
Genome position (GRCh38, 1-based): chr16:30,068,924, C>G. VCF-style: chr16-30068924-C-G. GRCh37 (hg19) VCF-style: chr16-30080245-C-G.
Other names: NM_000034.3:c.486C>G; p.Leu162=; c.*995C>G (NM_001365304.2, NM_001365305.2, NM_001365307.2); c.486C>G, p.Leu162= (NM_001127617.2, NM_184041.5, NM_184043.2); c.486C>G (NM_184041.4).
Identifiers: ClinVar variation 389736 (VCV000389736.15), dbSNP rs112110009, ClinGen allele CA8001011.